The following is an entry in ClinVar:

NC_000003.12:g.25598393G>A

Genes: RARB (retinoic acid receptor beta; plus strand), TOP2B (DNA topoisomerase II beta; minus strand). Cytogenetic location: 3p24.2.
Variant type: single nucleotide variant.
Molecular consequence: nonsense (on NM_001330700.2).
Genome position: GRCh38 VCF-style: chr3-25598393-G-A. GRCh37 (hg19) VCF-style: chr3-25639884-G-A.
Other names: c.4780C>T, p.Arg1594Ter (NM_001068.3); c.4795C>T, p.Arg1599Ter (NM_001330700.2); short protein forms R1594*, R1599*.
Identifiers: ClinVar variation 1712724 (VCV001712724.2), dbSNP rs770531780, ClinGen allele CA2287968.

ClinVar aggregate classification (germline): Uncertain significance (1 of 4 stars; one submission).

Allele frequency attached by ClinVar (database versions not stated): ExAC 0.00001; gnomAD exomes 0.00001.
gnomAD v4.1: 21 of 1,613,578 alleles (0.0013%); highest among the groups gnomAD compares: East Asian, 0.0022%; no homozygotes.

Submission:

GeneDx
Classification: Uncertain significance. Last evaluated: 2022-04-29. Review status: criteria provided, single submitter. Criteria: GeneDx Variant Classification Process June 2021. Collection method: clinical testing. Allele origin: germline. Affected: yes.
Comment: Nonsense variant predicted to result in protein truncation as the last 28 amino acids are lost, although loss-of-function variants have not been reported downstream of this position in the protein; Has not been previously published as pathogenic or benign to our knowledge